The following is an entry in ClinVar:

NM_000090.4(COL3A1):c.3203G>A (p.Gly1068Asp)

Gene: COL3A1 (collagen type III alpha 1 chain; plus strand). Cytogenetic location: 2q32.2.
Variant type: single nucleotide variant.
Coding change: c.3203G>A on transcript NM_000090.4 (MANE Select); coding-DNA position 3203, G replaced by A.
Protein change: p.Gly1068Asp; replaces glycine 1068 with aspartic acid.
Molecular consequence: missense variant.
Genome position (GRCh38, 1-based): chr2:189,006,938, G>A. VCF-style: chr2-189006938-G-A. GRCh37 (hg19) VCF-style: chr2-189871664-G-A.
Other names: short protein forms G1068D.
Identifiers: ClinVar variation 1708960 (VCV001708960.2), dbSNP rs587779551, ClinGen allele CA349845232.

ClinVar aggregate classification (germline): Likely pathogenic (1 of 4 stars; one submission).

Conditions:
Ehlers-Danlos syndrome, type 4 (EDSVASC). Also called: Ehlers-Danlos syndrome vascular type; Ehlers Danlos syndrome, ecchymotic type; Ehlers Danlos syndrome, arterial type; Ehlers Danlos syndrome, Sack-Barabas type; Ehlers-Danlos Syndrome Type IV. Identifiers: Orphanet 286, MedGen C0268338, MONDO:0017314, OMIM 130050.

Submission:

MGZ Medical Genetics Center
Classification: Likely pathogenic for Ehlers-Danlos syndrome, type 4. Last evaluated: 2021-10-22. Review status: criteria provided, single submitter. Criteria: ACMG Guidelines, 2015. Collection method: clinical testing. Allele origin: germline. Affected: yes. Observed: 1 variant allele.
Comment: ACMG criteria applied: PM1, PM5, PM2_SUP, PP3